The following is an entry in ClinVar:

ClinVar aggregate classification (germline): Uncertain significance (1 of 4 stars; one submission).

gnomAD v4.1: 3 of 1,614,058 alleles (0.00019%); highest among the groups gnomAD compares: Non-Finnish European, 0.00025%; no homozygotes.

Submission:

Ambry Genetics
Classification: Uncertain significance. Last evaluated: 2023-03-26. Review status: criteria provided, single submitter. Criteria: Ambry Variant Classification Scheme 2023. Collection method: clinical testing. Allele origin: germline.
Comment: The p.I294V variant (also known as c.880A>G), located in coding exon 8 of the RAD54L gene, results from an A to G substitution at nucleotide position 880. The isoleucine at codon 294 is replaced by valine, an amino acid with highly similar properties. This amino acid position is conserved. In addition, the in silico prediction for this alteration is inconclusive. Since supporting evidence is limited at this time, the clinical significance of this alteration remains unclear.

NM_003579.4(RAD54L):c.880A>G (p.Ile294Val)

Gene: RAD54L (RAD54 like; plus strand). Cytogenetic location: 1p34.1.
Variant type: single nucleotide variant.
Coding change: c.880A>G on transcript NM_003579.4 (MANE Select); coding-DNA position 880, A replaced by G.
Protein change: p.Ile294Val; replaces isoleucine 294 with valine.
Molecular consequence: missense variant.
Genome position (GRCh38, 1-based): chr1:46,261,374, A>G. VCF-style: chr1-46261374-A-G. GRCh37 (hg19) VCF-style: chr1-46727046-A-G.
Other names: c.880A>G, p.Ile294Val (NM_001142548.2); c.340A>G, p.Ile114Val (NM_001370766.1); short protein forms I294V, I114V.
Identifiers: ClinVar variation 2560358 (VCV002560358.2), dbSNP rs1237606554, ClinGen allele CA340189498.